The following is an entry in ClinVar:

ClinVar aggregate classification (germline): Uncertain significance (1 of 4 stars; one submission).

Submission:

Labcorp Genetics (formerly Invitae), Labcorp
Classification: Uncertain significance. Last evaluated: 2022-12-01. Review status: criteria provided, single submitter. Criteria: Invitae Variant Classification Sherloc (09022015). Collection method: clinical testing. Allele origin: germline.
Comment: In summary, the available evidence is currently insufficient to determine the role of this variant in disease. Therefore, it has been classified as a Variant of Uncertain Significance. This variant has not been reported in the literature in individuals affected with MYLK3-related conditions. This variant is not present in population databases (gnomAD no frequency). This sequence change creates a premature translational stop signal (p.Arg55Glufs*43) in the MYLK3 gene. It is expected to result in an absent or disrupted protein product. However, the current clinical and genetic evidence is not sufficient to establish whether loss-of-function variants in MYLK3 cause disease.

NM_182493.3(MYLK3):c.163del (p.Arg55fs)

Gene: MYLK3 (myosin light chain kinase 3; minus strand). Cytogenetic location: 16q11.2.
Variant type: Deletion.
Coding change: c.163del on transcript NM_182493.3 (MANE Select); coding-DNA position 163, one base deleted (C; older notation c.163delC).
Protein change: p.Arg55fs; shifts the reading frame from arginine 55.
Molecular consequence: frameshift variant. On other transcripts: intron variant (1).
Genome position (GRCh38, 1-based): chr16:46,748,031, G deleted on the plus strand (C on the coding strand, the reverse complement: MYLK3 is on the minus strand); the first of 2 consecutive G bases (chr16:46,748,031-46,748,032); deleting either gives the same sequence. VCF-style (leftmost placement, unchanged base first): chr16-46748030-CG-C. GRCh37 (hg19) VCF-style: chr16-46781942-CG-C.
Other names: c.-113-7884del (NM_001308301.1); short protein forms R55fs.
Identifiers: ClinVar variation 2810928 (VCV002810928.3), dbSNP rs2548911554, ClinGen allele CA2739266724.